The following is an entry in ClinVar:

NM_001110219.3(GJB6):c.-295-210G>A

Gene: GJB6 (gap junction protein beta 6; minus strand). Cytogenetic location: 13q12.11.
Variant type: single nucleotide variant.
Coding change: c.-295-210G>A on transcript NM_001110219.3 (MANE Select); 210 bases into the intron before 295 bases upstream of the start codon, G replaced by A.
Molecular consequence: intron variant.
Genome position (GRCh38, 1-based): chr13:20,231,017, C>T on the plus strand (G>A on the coding strand, the complement: GJB6 is on the minus strand). VCF-style: chr13-20231017-C-T. GRCh37 (hg19) VCF-style: chr13-20805156-C-T.
Other names: c.-186+1177G>A (NM_001110221.3); c.-186+365G>A (NM_001370091.1, NM_001110220.3); c.-301-204G>A (NM_001370090.1); c.-295-210G>A (NM_001370092.1).
Identifiers: ClinVar variation 311395 (VCV000311395.10), dbSNP rs61058739, ClinGen allele CA10639121.

ClinVar aggregate classification (germline): Likely benign. Review status: criteria provided, multiple submitters, no conflicts (2 of 4 stars). 3 submissions from 3 submitters: Likely benign (3). Last evaluated 2020-10-16.

Conditions:
Hidrotic ectodermal dysplasia syndrome (GJB6). Also called: Hidrotic ectodermal dysplasia; Ectodermal dysplasia 2, hidrotic; Autosomal dominant hidrotic ectodermal dysplasia; Clouston syndrome; Clouston's hidrotic ectodermal dysplasia; CLOUSTON HIDROTIC ECTODERMAL DYSPLASIA. Identifiers: Orphanet 189, MedGen C0162361, MONDO:0007510, OMIM 129500.

Allele frequency attached by ClinVar (database versions not stated): 1000 Genomes Project 0.00759; 1000 Genomes Project 30x 0.00828; gnomAD 0.00731 and 0.00821; TOPMed 0.01016.

Submissions (3):

GeneDx
Classification: Likely benign. Last evaluated: 2020-10-16. Review status: criteria provided, single submitter. Criteria: GeneDx Variant Classification Process June 2021. Collection method: clinical testing. Allele origin: germline. Affected: yes.

Illumina Laboratory Services, Illumina
Classification: Likely benign for Hidrotic ectodermal dysplasia syndrome. Last evaluated: 2018-01-13. Review status: criteria provided, single submitter. Criteria: ICSL Variant Classification Criteria 13 December 2019. Collection method: clinical testing. Allele origin: germline.
Comment: This variant was observed in the ICSL laboratory as part of a predisposition screen in an ostensibly healthy population. It had not been previously curated by ICSL or reported in the Human Gene Mutation Database (HGMD: prior to June 1st, 2018), and was therefore a candidate for classification through an automated scoring system. Utilizing variant allele frequency, disease prevalence and penetrance estimates, and inheritance mode, an automated score was calculated to assess if this variant is too frequent to cause the disease. Based on the score and internal cut-off values, a variant classified as likely benign is not then subjected to further curation. The score for this variant resulted in a classification of likely benign for this disease.

Breakthrough Genomics
Classification: Likely benign. Review status: criteria provided, single submitter. Criteria: ACMG Guidelines, 2015. Collection method: not provided. Allele origin: germline. Inheritance: Autosomal recessive inheritance. Affected: yes.